The following is an entry in ClinVar:

NM_033056.4(PCDH15):c.4398_4414del (p.Arg1467fs)

Gene: PCDH15 (protocadherin related 15; minus strand). Cytogenetic location: 10q21.1.
Variant type: Deletion.
Coding change: c.4398_4414del on transcript NM_033056.4 (MANE Plus Clinical); coding-DNA positions 4398 to 4414, 17 bases deleted (CAGGGGAAATAACTCAG).
Protein change: p.Arg1467fs; shifts the reading frame from arginine 1467.
Molecular consequence: frameshift variant. On other transcripts: intron variant (8).
Genome position (GRCh38, 1-based): chr10:53,823,312-53,823,328, CTGAGTTATTTCCCCTG deleted on the plus strand (CAGGGGAAATAACTCAG on the coding strand, the reverse complement: PCDH15 is on the minus strand); deleting any 17 consecutive bases within chr10:53,823,312-53,823,330 gives the same sequence; the c. name uses the placement nearest the transcript's 3' end. VCF-style (leftmost placement, unchanged base first): chr10-53823311-ACTGAGTTATTTCCCCTG-A. GRCh37 (hg19) VCF-style: chr10-55583071-ACTGAGTTATTTCCCCTG-A.
Other names: c.4419_4435del, p.Arg1474fs (NM_001142763.2); c.4404_4420del, p.Arg1469fs (NM_001142764.2); c.4191_4207del, p.Arg1398fs (NM_001142765.2); c.4389_4405del, p.Arg1464fs (NM_001142766.2); c.4278_4294del, p.Arg1427fs (NM_001142767.2); c.4338_4354del, p.Arg1447fs (NM_001142768.2); c.4329_4345del, p.Arg1444fs (NM_001142773.2); c.4332_4348del, p.Arg1445fs (NM_001354404.2); and 6 more; short protein forms R1398fs, R1427fs, R1444fs, R1474fs, R1467fs, R1464fs, R1445fs, R1447fs.
Identifiers: ClinVar variation 2113981 (VCV002113981.4), dbSNP rs2492416436, ClinGen allele CA2580081677.

ClinVar aggregate classification (germline): Pathogenic (1 of 4 stars; one submission).

Submission:

Labcorp Genetics (formerly Invitae), Labcorp
Classification: Pathogenic. Last evaluated: 2024-10-25. Review status: criteria provided, single submitter. Criteria: Invitae Variant Classification Sherloc (09022015). Collection method: clinical testing. Allele origin: germline.
Comment: This sequence change creates a premature translational stop signal (p.Arg1467Leufs*19) in the PCDH15 gene. While this is not anticipated to result in nonsense mediated decay, it is expected to disrupt the last 489 amino acid(s) of the PCDH15 protein. This variant is not present in population databases (gnomAD no frequency). This variant has not been reported in the literature in individuals affected with PCDH15-related conditions. ClinVar contains an entry for this variant (Variation ID: 2113981). This variant disrupts a region of the PCDH15 protein in which other variant(s) (p.Gln1576*) have been determined to be pathogenic (PMID: 28281779). This suggests that this is a clinically significant region of the protein, and that variants that disrupt it are likely to be disease-causing. For these reasons, this variant has been classified as Pathogenic.

Literature cited by the submitters: PubMed 28281779.